The following is an entry in ClinVar:

ClinVar aggregate classification (germline): Uncertain significance (1 of 4 stars; one submission).

Conditions:
Citrullinemia. Identifiers: Orphanet 187, MedGen C0175683, MONDO:0015991.

Allele frequency attached by ClinVar (database versions not stated): gnomAD exomes below 0.00001.
gnomAD v4.1: 2 of 1,614,096 alleles (0.00012%); no homozygotes.

Submission:

Labcorp Genetics (formerly Invitae), Labcorp
Classification: Uncertain significance for Citrullinemia. Last evaluated: 2024-06-04. Review status: criteria provided, single submitter. Criteria: Invitae Variant Classification Sherloc (09022015). Collection method: clinical testing. Allele origin: germline.
Comment: This sequence change replaces tryptophan, which is neutral and slightly polar, with cysteine, which is neutral and slightly polar, at codon 179 of the ASS1 protein (p.Trp179Cys). This variant is present in population databases (no rsID available, gnomAD 0.004%). This variant has not been reported in the literature in individuals affected with ASS1-related conditions. ClinVar contains an entry for this variant (Variation ID: 1475886). Advanced modeling of protein sequence and biophysical properties (such as structural, functional, and spatial information, amino acid conservation, physicochemical variation, residue mobility, and thermodynamic stability) performed at Invitae indicates that this missense variant is expected to disrupt ASS1 protein function with a positive predictive value of 80%. This variant disrupts the p.Trp179 amino acid residue in ASS1. Other variant(s) that disrupt this residue have been determined to be pathogenic (PMID: 11941481, 12815590, 14680976, 18925679). This suggests that this residue is clinically significant, and that variants that disrupt this residue are likely to be disease-causing. In summary, the available evidence is currently insufficient to determine the role of this variant in disease. Therefore, it has been classified as a Variant of Uncertain Significance.

Literature cited by the submitters: PubMed 11941481; PubMed 12815590; PubMed 14680976; PubMed 18925679.

NM_054012.4(ASS1):c.537G>C (p.Trp179Cys)

Gene: ASS1 (argininosuccinate synthase 1; plus strand). Cytogenetic location: 9q34.11.
Variant type: single nucleotide variant.
Coding change: c.537G>C on transcript NM_054012.4 (MANE Select); coding-DNA position 537, G replaced by C.
Protein change: p.Trp179Cys; replaces tryptophan 179 with cysteine.
Molecular consequence: missense variant.
Genome position (GRCh38, 1-based): chr9:130,470,875, G>C. VCF-style: chr9-130470875-G-C. GRCh37 (hg19) VCF-style: chr9-133346262-G-C.
Other names: c.537G>C, p.Trp179Cys (NM_000050.4); short protein forms W179C.
Identifiers: ClinVar variation 1475886 (VCV001475886.8), dbSNP rs1409764603, ClinGen allele CA375227211.